The following is an entry in ClinVar:

ClinVar aggregate classification (germline): Likely benign (1 of 4 stars; one submission).

Submission:

CeGaT Center for Human Genetics Tuebingen
Classification: Likely benign. Last evaluated: 2023-04-01. Review status: criteria provided, single submitter. Criteria: CeGaT Center For Human Genetics Tuebingen Variant Classification Criteria Version 2. Collection method: clinical testing. Allele origin: germline. Affected: yes. Observed: 1 variant allele.
Comment: DICER1: PM2:Supporting, BP4, BP7

NM_177438.3(DICER1):c.486T>G (p.Gly162=)

Gene: DICER1 (dicer 1, ribonuclease III; minus strand). Cytogenetic location: 14q32.13.
Variant type: single nucleotide variant.
Coding change: c.486T>G on transcript NM_177438.3 (MANE Select); coding-DNA position 486, T replaced by G.
Protein change: p.Gly162=; no amino-acid change (glycine 162 retained).
Molecular consequence: synonymous variant. On other transcripts: 5 prime UTR variant (1), non-coding transcript variant (6), intron variant (1).
Genome position (GRCh38, 1-based): chr14:95,130,145, A>C on the plus strand (T>G on the coding strand, the complement: DICER1 is on the minus strand). VCF-style: chr14-95130145-A-C. GRCh37 (hg19) VCF-style: chr14-95596482-A-C.
Other names: c.486T>G, p.Gly162= (NM_001395694.1, NM_001395695.1, NM_001395699.1 and 15 more transcripts); c.81T>G, p.Gly27= (NM_001395696.1, NM_001395698.1, NM_001395687.1 and 3 more transcripts); c.-1083T>G (NM_001395697.1); c.-20-62T>G (NM_001395691.1); c.204T>G, p.Gly68= (NM_001395686.1).
Identifiers: ClinVar variation 2644492 (VCV002644492.24), dbSNP rs2543303728, ClinGen allele CA487633943.